The following is an entry in ClinVar:

NM_000548.5(TSC2):c.884C>A (p.Ala295Asp)

Gene: TSC2 (TSC complex subunit 2; plus strand). Cytogenetic location: 16p13.3.
Variant type: single nucleotide variant.
Coding change: c.884C>A on transcript NM_000548.5 (MANE Select); coding-DNA position 884, C replaced by A.
Protein change: p.Ala295Asp; replaces alanine 295 with aspartic acid.
Molecular consequence: missense variant.
Genome position (GRCh38, 1-based): chr16:2,058,782, C>A. VCF-style: chr16-2058782-C-A. GRCh37 (hg19) VCF-style: chr16-2108783-C-A.
Other names: c.884C>A, p.Ala295Asp (NM_001363528.2, NM_001370404.1, NM_001077183.3 and 3 more transcripts); c.773C>A, p.Ala258Asp (NM_001318827.2); c.737C>A, p.Ala246Asp (NM_001318829.2); c.284C>A, p.Ala95Asp (NM_001318831.2); c.917C>A, p.Ala306Asp (NM_001318832.2); short protein forms A258D, A295D, A246D, A306D, A95D.
Identifiers: ClinVar variation 1513132 (VCV001513132.8), dbSNP rs1596288578, ClinGen allele CA394315140.

ClinVar aggregate classification (germline): Conflicting classifications of pathogenicity. Review status: criteria provided, conflicting classifications (1 of 4 stars). 2 submissions from 2 submitters: Likely pathogenic (1); Uncertain significance (1). Last evaluated 2021-08-16.

Conditions:
Tuberous sclerosis 2 (TSC2). Identifiers: Orphanet 805, MedGen C1860707, MONDO:0013199, OMIM 613254.

Submissions (2):

Labcorp Genetics (formerly Invitae), Labcorp
Classification: Uncertain significance for Tuberous sclerosis 2. Last evaluated: 2021-08-16. Review status: criteria provided, single submitter. Criteria: Invitae Variant Classification Sherloc (09022015). Collection method: clinical testing. Allele origin: germline.
Comment: In summary, the available evidence is currently insufficient to determine the role of this variant in disease. Therefore, it has been classified as a Variant of Uncertain Significance. Algorithms developed to predict the effect of missense changes on protein structure and function (SIFT, PolyPhen-2, Align-GVGD) all suggest that this variant is likely to be disruptive. This variant has not been reported in the literature in individuals affected with TSC2-related conditions. This variant is not present in population databases (ExAC no frequency). This sequence change replaces alanine with aspartic acid at codon 295 of the TSC2 protein (p.Ala295Asp). The alanine residue is highly conserved and there is a moderate physicochemical difference between alanine and aspartic acid.

Genetics and Molecular Pathology, SA Pathology
Classification: Likely pathogenic for Tuberous sclerosis 2. Last evaluated: 2021-07-15. Review status: criteria provided, single submitter. Criteria: ACMG Guidelines, 2015. Collection method: clinical testing. Allele origin: germline. Inheritance: Autosomal dominant inheritance. Affected: yes.
Comment: The TSC2 c.884C>A variant is classified as LIKELY PATHOGENIC (PS2, PM2, PP3, PP4) The TSC2 c.884C>A variant is a single nucleotide change in exon 10 of the TSC2 gene, which is predicted to change the amino acid alanine at position 295 in the protein to aspartic acid. This variant is de novo in this sample (PS2). This variant has not been reported in dbSNP and is absent from population databases (PM2). The clinical features of this case are highly specific for tuberous sclerosis (PP4). This variant has not been reported in the ClinVar or HGMD disease databases. Computational predictions support a deleterious effect on the gene or gene product (PP3).